The following is an entry in ClinVar:

ClinVar aggregate classification (germline): Benign/Likely benign. Review status: criteria provided, multiple submitters, no conflicts (2 of 4 stars). 8 submissions from 8 submitters: Benign (1); Likely benign (4). 3 of the submissions do not count toward it. Last evaluated 2025-12-14.

Conditions:
X-linked sideroblastic anemia 1. Also called: ANEMIA, SIDEROBLASTIC, 1, PYRIDOXINE REFRACTORY; X-linked pyridoxine-refractory sideroblastic anemia; Anemia, hereditary sideroblastic 1, pyridoxine refractory; Erythroid 5-aminolevulinate synthase deficiency; X chromosome-linked sideroblastic anemia; Anemia, sideroblastic, 1. Identifiers: Orphanet 75563, MedGen C4551511, MONDO:0020721, OMIM 300751. Disease mechanism: loss of function.
ALAS2-related disorder. Also called: ALAS2-related condition.

Allele frequency attached by ClinVar (database versions not stated): 1000 Genomes Project 30x 0.00021; 1000 Genomes Project 0.00026; gnomAD exomes 0.00027 and 0.00055; ExAC 0.00034; TOPMed 0.00040; gnomAD 0.00045 and 0.00046; ESP Exome Variant Server 0.00047.
gnomAD v4.1: 646 of 1,206,177 alleles (0.054%); highest among the groups gnomAD compares: Non-Finnish European, 0.069%; no homozygotes.

Submissions (8):

Labcorp Genetics (formerly Invitae), Labcorp
Classification: Likely benign. Last evaluated: 2025-12-14. Review status: criteria provided, single submitter. Criteria: Invitae Variant Classification Sherloc (09022015). Collection method: clinical testing. Allele origin: germline.

Blueprint Genetics
Classification: Likely benign. Last evaluated: 2024-08-08. Review status: criteria provided, single submitter. Criteria: ACMG Guidelines, 2015. Collection method: clinical testing. Allele origin: germline.

CeGaT Center for Human Genetics Tuebingen
Classification: Likely benign. Last evaluated: 2023-01-01. Review status: criteria provided, single submitter. Criteria: CeGaT Center For Human Genetics Tuebingen Variant Classification Criteria Version 2. Collection method: clinical testing. Allele origin: germline. Affected: yes. Observed: 1 variant allele.
Comment: ALAS2: BS2

GeneDx
Classification: Benign. Last evaluated: 2021-03-30. Review status: criteria provided, single submitter. Criteria: GeneDx Variant Classification Process June 2021. Collection method: clinical testing. Allele origin: germline. Affected: yes.
Comment: This variant is associated with the following publications: (PMID: 30678654)

Illumina Laboratory Services, Illumina
Classification: Likely benign for X-linked sideroblastic anemia 1. Last evaluated: 2017-04-27. Review status: criteria provided, single submitter. Criteria: ICSL Variant Classification Criteria 13 December 2019. Collection method: clinical testing. Allele origin: germline.
Comment: This variant was observed as part of a predisposition screen in an ostensibly healthy population. A literature search was performed for the gene, cDNA change, and amino acid change (where applicable). No publications were found based on this search. Allele frequency data from public databases allowed determination this variant is unlikely to cause disease. Therefore, this variant is classified as likely benign.

PreventionGenetics, part of Exact Sciences
Classification: Likely benign for ALAS2-related condition. Last evaluated: 2023-04-24. Review status: no assertion criteria provided. Collection method: clinical testing. Allele origin: germline. Not counted in ClinVar's aggregate classification.
Comment: This variant is classified as likely benign based on ACMG/AMP sequence variant interpretation guidelines (Richards et al. 2015 PMID: 25741868, with internal and published modifications).

Clinical Genetics DNA and cytogenetics Diagnostics Lab, Erasmus MC, Erasmus Medical Center
Classification: Likely benign. Review status: no assertion criteria provided. Collection method: clinical testing. Allele origin: germline. Affected: yes. Study: VKGL Data-share Consensus. Not counted in ClinVar's aggregate classification.

Laboratory of Diagnostic Genome Analysis, Leiden University Medical Center (LUMC)
Classification: Likely benign. Review status: no assertion criteria provided. Collection method: clinical testing. Allele origin: germline. Affected: yes. Study: VKGL Data-share Consensus. Not counted in ClinVar's aggregate classification.

NM_000032.5(ALAS2):c.1718C>T (p.Ser573Phe)

Gene: ALAS2 (5'-aminolevulinate synthase 2; minus strand). Cytogenetic location: Xp11.21.
Variant type: single nucleotide variant.
Coding change: c.1718C>T on transcript NM_000032.5 (MANE Select); coding-DNA position 1718, C replaced by T.
Protein change: p.Ser573Phe; replaces serine 573 with phenylalanine.
Molecular consequence: missense variant.
Genome position (GRCh38, 1-based): chrX:55,009,226, G>A on the plus strand (C>T on the coding strand, the complement: ALAS2 is on the minus strand). VCF-style: chrX-55009226-G-A. GRCh37 (hg19) VCF-style: chrX-55035659-G-A.
Other names: p.S573F:TCC>TTC; c.1718C>T, p.Ser573Phe (LRG_1163t1); c.1607C>T, p.Ser536Phe (NM_001037967.4); c.1679C>T, p.Ser560Phe (NM_001037968.4); short protein forms S573F, S560F, S536F.
Identifiers: ClinVar variation 214091 (VCV000214091.42), dbSNP rs201799139, ClinGen allele CA320874.